The following is an entry in ClinVar:

ClinVar aggregate classification (germline): Uncertain significance (1 of 4 stars; one submission).

gnomAD v4.1: 10 of 1,614,014 alleles (0.00062%); highest among the groups gnomAD compares: South Asian, 0.0011%; no homozygotes.

Submission:

Labcorp Genetics (formerly Invitae), Labcorp
Classification: Uncertain significance. Last evaluated: 2024-11-27. Review status: criteria provided, single submitter. Criteria: Invitae Variant Classification Sherloc (09022015). Collection method: clinical testing. Allele origin: germline.
Comment: This sequence change replaces tyrosine, which is neutral and polar, with cysteine, which is neutral and slightly polar, at codon 565 of the FAT4 protein (p.Tyr565Cys). This variant is present in population databases (rs761503135, gnomAD 0.003%). This variant has not been reported in the literature in individuals affected with FAT4-related conditions. Invitae Evidence Modeling of protein sequence and biophysical properties (such as structural, functional, and spatial information, amino acid conservation, physicochemical variation, residue mobility, and thermodynamic stability) indicates that this missense variant is not expected to disrupt FAT4 protein function with a negative predictive value of 80%. In summary, the available evidence is currently insufficient to determine the role of this variant in disease. Therefore, it has been classified as a Variant of Uncertain Significance.

NM_001291303.3(FAT4):c.1694A>G (p.Tyr565Cys)

Gene: FAT4 (FAT atypical cadherin 4; plus strand). Cytogenetic location: 4q28.1.
Variant type: single nucleotide variant.
Coding change: c.1694A>G on transcript NM_001291303.3 (MANE Select); coding-DNA position 1694, A replaced by G.
Protein change: p.Tyr565Cys; replaces tyrosine 565 with cysteine.
Molecular consequence: missense variant.
Genome position (GRCh38, 1-based): chr4:125,318,105, A>G. VCF-style: chr4-125318105-A-G. GRCh37 (hg19) VCF-style: chr4-126239260-A-G.
Other names: c.1694A>G, p.Tyr565Cys (NM_001291285.3, NM_024582.6); short protein forms Y565C.
Identifiers: ClinVar variation 3617809 (VCV003617809.1).